The following is an entry in ClinVar:

NM_001365276.2(TNXB):c.4813G>A (p.Asp1605Asn)

Gene: TNXB (tenascin XB; minus strand). Cytogenetic location: 6p21.33.
Variant type: single nucleotide variant.
Coding change: c.4813G>A on transcript NM_001365276.2 (MANE Select); coding-DNA position 4813, G replaced by A.
Protein change: p.Asp1605Asn; replaces aspartic acid 1605 with asparagine.
Molecular consequence: missense variant.
Genome position (GRCh38, 1-based): chr6:32,072,167, C>T on the plus strand (G>A on the coding strand, the complement: TNXB is on the minus strand). VCF-style: chr6-32072167-C-T. GRCh37 (hg19) VCF-style: chr6-32039944-C-T.
Other names: p.Asp1605Asn; c.4813G>A, p.Asp1605Asn (NM_019105.8); short protein forms D1605N.
Identifiers: ClinVar variation 1310815 (VCV001310815.4), dbSNP rs565606966, ClinGen allele CA3734877.
Genomic context (GRCh38, chr6:32,072,167, plus strand): 5'-CAGCCACGGGCACCACCTGGGGCTGCCCGTCCCTGTCCTTGTACTGAACCACAAAGGAGT[C>T]GAATTCACCCTCAGGGACTGTCCATGAGAGGCCCACAGAGTCAGGGGTTATATCCGTCAC-3'
Protein context (NP_001352205.1, residues 1595-1615): LSWTVPEGEF[Asp1605Asn]SFVVQYKDRD

ClinVar aggregate classification (germline): Conflicting classifications of pathogenicity. Review status: criteria provided, conflicting classifications (1 of 4 stars). 3 submissions from 3 submitters: Uncertain significance (2); Likely benign (1). Last evaluated 2026-06-03.

Conditions:
Cardiovascular phenotype. Identifiers: MedGen CN230736.

Allele frequency attached by ClinVar (database versions not stated): gnomAD exomes 0.00004; ExAC 0.00007; 1000 Genomes Project 30x 0.00016; TOPMed 0.00002; gnomAD 0.00001 and 0.00003; 1000 Genomes Project 0.00020.
gnomAD v4.1: 64 of 1,613,460 alleles (0.004%); highest among the groups gnomAD compares: East Asian, 0.13%; no homozygotes.

Submissions (3):

Ambry Genetics
Classification: Likely benign for Cardiovascular phenotype. Last evaluated: 2026-06-03. Review status: criteria provided, single submitter. Criteria: Ambry Variant Classification Scheme 2023. Collection method: clinical testing. Allele origin: germline.

Mayo Clinic Laboratories, Mayo Clinic
Classification: Uncertain significance. Last evaluated: 2025-12-06. Review status: criteria provided, single submitter. Criteria: ACMG Guidelines, 2015. Collection method: clinical testing. Allele origin: germline. Observed: 1 variant allele.

GeneDx
Classification: Uncertain significance. Last evaluated: 2021-02-04. Review status: criteria provided, single submitter. Criteria: GeneDx Variant Classification Process June 2021. Collection method: clinical testing. Allele origin: germline. Affected: yes.
Comment: Has not been previously published as pathogenic or benign to our knowledge; In silico analysis, which includes protein predictors and evolutionary conservation, supports a deleterious effect